The following is an entry in ClinVar:

NM_139027.6(ADAMTS13):c.2153T>A (p.Leu718Ter)

Gene: ADAMTS13 (ADAM metallopeptidase with thrombospondin type 1 motif 13; plus strand). Cytogenetic location: 9q34.2.
Variant type: single nucleotide variant.
Coding change: c.2153T>A on transcript NM_139027.6 (MANE Select); coding-DNA position 2153, T replaced by A.
Protein change: p.Leu718Ter; replaces leucine 718 with a stop codon.
Molecular consequence: nonsense.
Genome position (GRCh38, 1-based): chr9:133,442,662, T>A. VCF-style: chr9-133442662-T-A. GRCh37 (hg19) VCF-style: chr9-136307783-T-A.
Other names: c.2153T>A, p.Leu718Ter (NM_139025.5); c.2060T>A, p.Leu687Ter (NM_139026.6); short protein forms L687*, L718*.
Identifiers: ClinVar variation 3894581 (VCV003894581.1).

ClinVar aggregate classification (germline): Pathogenic (1 of 4 stars; one submission).

Conditions:
Upshaw-Schulman syndrome (TTP). Also called: Congenital thrombotic thrombocytopenic purpura; THROMBOTIC THROMBOCYTOPENIC PURPURA, HEREDITARY. Identifiers: Orphanet 93583, MedGen C1268935, MONDO:0010122, OMIM 274150.

Submission:

MVZ Medizinische Genetik Mainz
Classification: Pathogenic for Upshaw-Schulman syndrome. Last evaluated: 2025-04-07. Review status: criteria provided, single submitter. Criteria: UK Practice Guidelines For Variant Classification V4 01 2020. Collection method: clinical testing. Allele origin: germline. Inheritance: Autosomal recessive inheritance. Affected: yes. Observed: 1 variant allele.
Comment: ACMG Criteria: PVS1,PM2_SUP,PP4